The following is an entry in ClinVar:

NM_000051.4(ATM):c.1124del (p.Arg375fs)

Gene: ATM (ATM serine/threonine kinase; plus strand). Cytogenetic location: 11q22.3.
Variant type: Deletion.
Coding change: c.1124del on transcript NM_000051.4 (MANE Select); coding-DNA position 1124, one base deleted (G; older notation c.1124delG).
Protein change: p.Arg375fs; shifts the reading frame from arginine 375.
Molecular consequence: frameshift variant.
Genome position (GRCh38, 1-based): chr11:108,248,991, G deleted. VCF-style (leftmost placement, unchanged base first): chr11-108248990-AG-A. GRCh37 (hg19) VCF-style: chr11-108119717-AG-A.
Other names: c.1124delG (NM_000051.3); c.1124del, p.Arg375fs (NM_001351834.2); short protein forms R375fs.
Identifiers: ClinVar variation 524409 (VCV000524409.8), dbSNP rs1555069653, ClinGen allele CA658797784.

ClinVar aggregate classification (germline): Pathogenic. Review status: criteria provided, multiple submitters, no conflicts (2 of 4 stars). 4 submissions from 4 submitters: Pathogenic (4). Last evaluated 2026-09-17.

Conditions:
Inherited prostate cancer.
Hereditary cancer-predisposing syndrome. Also called: Neoplastic Syndromes, Hereditary; Hereditary Cancer Syndrome; Tumor predisposition; Hereditary neoplastic syndrome. Identifiers: Orphanet 140162, MedGen C0027672, MeSH D009386, MONDO:0015356.
Ataxia-telangiectasia syndrome (AT). Also called: Ataxia-telangiectasia, complementation group E; Ataxia-telangiectasia, complementation group D; AT, COMPLEMENTATION GROUP C; ATAXIA-TELANGIECTASIA, COMPLEMENTATION GROUP A; ATAXIA-TELANGIECTASIA, FRESNO VARIANT; LOUIS-BAR SYNDROME. Identifiers: Orphanet 100, MedGen C0004135, MONDO:0008840, OMIM 208900.
Familial cancer of breast. Also called: hereditary breast carcinoma; BREAST CANCER, FAMILIAL; Hereditary breast cancer. Identifiers: Orphanet 227535, MedGen C0346153, MONDO:0016419, OMIM 114480. Disease mechanism: loss of function.

Allele frequency attached by ClinVar (database versions not stated): gnomAD exomes below 0.00001.

Submissions (4):

Genetics Laboratory, Great Ormond Street Hospital NHS Foundation Trust, North Thames Genomic Laboratory Hub
Classification: Pathogenic for Inherited prostate cancer. Last evaluated: 2026-09-17. Review status: criteria provided, single submitter. Criteria: CanVIG ATM Gene Specific V1.2. Collection method: clinical testing. Allele origin: germline. Affected: yes.
Comment: PM2_supporting, PVS1_very-strong, PM5_supporting

Labcorp Genetics (formerly Invitae), Labcorp
Classification: Pathogenic for Ataxia-telangiectasia syndrome. Last evaluated: 2025-05-26. Review status: criteria provided, single submitter. Criteria: Invitae Variant Classification Sherloc (09022015). Collection method: clinical testing. Allele origin: germline.
Comment: This sequence change creates a premature translational stop signal (p.Arg375Lysfs*15) in the ATM gene. It is expected to result in an absent or disrupted protein product. Loss-of-function variants in ATM are known to be pathogenic (PMID: 23807571, 25614872). This variant is not present in population databases (gnomAD no frequency). This variant has not been reported in the literature in individuals affected with ATM-related conditions. ClinVar contains an entry for this variant (Variation ID: 524409). For these reasons, this variant has been classified as Pathogenic.

Ambry Genetics
Classification: Pathogenic for Hereditary cancer-predisposing syndrome. Last evaluated: 2025-03-05. Review status: criteria provided, single submitter. Criteria: Ambry Variant Classification Scheme 2023. Collection method: clinical testing. Allele origin: germline.
Comment: The c.1124delG pathogenic mutation, located in coding exon 8 of the ATM gene, results from a deletion of one nucleotide at nucleotide position 1124, causing a translational frameshift with a predicted alternate stop codon (p.R375Kfs*15). This variant is considered to be rare based on population cohorts in the Genome Aggregation Database (gnomAD). This alteration is expected to result in loss of function by premature protein truncation or nonsense-mediated mRNA decay. As such, this alteration is interpreted as a disease-causing mutation.

Myriad Genetics, Inc.
Classification: Pathogenic for Familial cancer of breast. Last evaluated: 2024-01-12. Review status: criteria provided, single submitter. Criteria: Myriad Autosomal Dominant, Autosomal Recessive and X-Linked Classification Criteria (2023). Collection method: clinical testing. Allele origin: unknown.
Comment: This variant is considered pathogenic. This variant creates a frameshift predicted to result in premature protein truncation.

Literature cited by the submitters: PubMed 23807571 (cited by Labcorp Genetics (formerly Invitae), Labcorp); PubMed 25614872 (cited by Labcorp Genetics (formerly Invitae), Labcorp).